The following is an entry in ClinVar:

ClinVar aggregate classification (germline): Uncertain significance. Review status: criteria provided, multiple submitters, no conflicts (2 of 4 stars). 2 submissions from 2 submitters: Uncertain significance (2). Last evaluated 2023-08-10.

Conditions:
Charcot-Marie-Tooth disease type 4. Also called: Charcot-Marie-Tooth, Type 4; Charcot-Marie-Tooth disease, type IV. Identifiers: Orphanet 64749, MedGen C4082197, MONDO:0018995.

Allele frequency attached by ClinVar (database versions not stated): gnomAD exomes below 0.00001; TOPMed below 0.00001.
gnomAD v4.1: 3 of 1,614,154 alleles (0.00019%); highest among the groups gnomAD compares: African/African-American, 0.0013%; no homozygotes.

Submissions (2):

Labcorp Genetics (formerly Invitae), Labcorp
Classification: Uncertain significance for Charcot-Marie-Tooth disease type 4. Last evaluated: 2023-08-10. Review status: criteria provided, single submitter. Criteria: Invitae Variant Classification Sherloc (09022015). Collection method: clinical testing. Allele origin: germline.
Comment: In summary, the available evidence is currently insufficient to determine the role of this variant in disease. Therefore, it has been classified as a Variant of Uncertain Significance. Advanced modeling of protein sequence and biophysical properties (such as structural, functional, and spatial information, amino acid conservation, physicochemical variation, residue mobility, and thermodynamic stability) performed at Invitae indicates that this missense variant is not expected to disrupt SBF2 protein function. ClinVar contains an entry for this variant (Variation ID: 1362833). This variant has not been reported in the literature in individuals affected with SBF2-related conditions. This variant is not present in population databases (gnomAD no frequency). This sequence change replaces glutamine, which is neutral and polar, with glutamic acid, which is acidic and polar, at codon 1108 of the SBF2 protein (p.Gln1108Glu).

Athena Diagnostics
Classification: Uncertain significance. Last evaluated: 2022-09-23. Review status: criteria provided, single submitter. Criteria: Athena Diagnostics Criteria. Collection method: clinical testing. Allele origin: unknown.
Comment: Available data are insufficient to determine the clinical significance of the variant at this time. This variant has not been reported in large, multi-ethnic general populations. Computational tools predict that this variant is not damaging.

NM_030962.4(SBF2):c.3322C>G (p.Gln1108Glu)

Genes: SBF2 (SET binding factor 2; minus strand), LOC101928008 (uncharacterized LOC101928008; plus strand). Cytogenetic location: 11p15.4.
Variant type: single nucleotide variant.
Coding change: c.3322C>G on transcript NM_030962.4 (MANE Select); coding-DNA position 3322, C replaced by G.
Protein change: p.Gln1108Glu; replaces glutamine 1108 with glutamic acid.
Molecular consequence: missense variant.
Genome position (GRCh38, 1-based): chr11:9,839,631, G>C on the plus strand (C>G on the coding strand, the complement: SBF2 is on the minus strand). VCF-style: chr11-9839631-G-C. GRCh37 (hg19) VCF-style: chr11-9861178-G-C.
Other names: c.3322C>G, p.Gln1108Glu (NM_001386339.1); c.3193C>G, p.Gln1065Glu (NM_001386342.1); c.3322C>G (NM_030962.3); short protein forms Q1065E, Q1108E.
Identifiers: ClinVar variation 1362833 (VCV001362833.8), dbSNP rs1855969532, ClinGen allele CA379628848.